The following is an entry in ClinVar:

NM_004655.4(AXIN2):c.715T>C (p.Phe239Leu)

Gene: AXIN2 (axin 2; minus strand). Cytogenetic location: 17q24.1.
Variant type: single nucleotide variant.
Coding change: c.715T>C on transcript NM_004655.4 (MANE Select); coding-DNA position 715, T replaced by C.
Protein change: p.Phe239Leu; replaces phenylalanine 239 with leucine.
Molecular consequence: missense variant.
Genome position (GRCh38, 1-based): chr17:65,557,906, A>G on the plus strand (T>C on the coding strand, the complement: AXIN2 is on the minus strand). VCF-style: chr17-65557906-A-G. GRCh37 (hg19) VCF-style: chr17-63554024-A-G.
Other names: c.715T>C, p.Phe239Leu (NM_001363813.1); short protein forms F239L.
Identifiers: ClinVar variation 1020203 (VCV001020203.12), dbSNP rs2044294504, ClinGen allele CA400680421.

ClinVar aggregate classification (germline): Conflicting classifications of pathogenicity. Review status: criteria provided, conflicting classifications (1 of 4 stars). 2 submissions from 2 submitters: Uncertain significance (1); Likely benign (1). Last evaluated 2024-12-31.

Conditions:
Hereditary cancer-predisposing syndrome. Also called: Tumor predisposition; Neoplastic Syndromes, Hereditary; Hereditary neoplastic syndrome; Hereditary Cancer Syndrome. Identifiers: Orphanet 140162, MedGen C0027672, MeSH D009386, MONDO:0015356.
Oligodontia-cancer predisposition syndrome. Also called: TOOTH AGENESIS-COLORECTAL CANCER SYNDROME. Identifiers: Orphanet 300576, MedGen C1837750, MONDO:0012075, OMIM 608615. Disease mechanism: loss of function.

Submissions (2):

Labcorp Genetics (formerly Invitae), Labcorp
Classification: Uncertain significance for Oligodontia-cancer predisposition syndrome. Last evaluated: 2024-12-31. Review status: criteria provided, single submitter. Criteria: Invitae Variant Classification Sherloc (09022015). Collection method: clinical testing. Allele origin: germline.
Comment: This sequence change replaces phenylalanine, which is neutral and non-polar, with leucine, which is neutral and non-polar, at codon 239 of the AXIN2 protein (p.Phe239Leu). This variant is not present in population databases (gnomAD no frequency). This variant has not been reported in the literature in individuals affected with AXIN2-related conditions. ClinVar contains an entry for this variant (Variation ID: 1020203). Invitae Evidence Modeling of protein sequence and biophysical properties (such as structural, functional, and spatial information, amino acid conservation, physicochemical variation, residue mobility, and thermodynamic stability) indicates that this missense variant is not expected to disrupt AXIN2 protein function with a negative predictive value of 80%. In summary, the available evidence is currently insufficient to determine the role of this variant in disease. Therefore, it has been classified as a Variant of Uncertain Significance.

Ambry Genetics
Classification: Likely benign for Hereditary cancer-predisposing syndrome. Last evaluated: 2024-07-23. Review status: criteria provided, single submitter. Criteria: Ambry Variant Classification Scheme 2023. Collection method: clinical testing. Allele origin: germline.